The following is an entry in ClinVar:

ClinVar aggregate classification (germline): Conflicting classifications of pathogenicity. Review status: criteria provided, conflicting classifications (1 of 4 stars). 2 submissions from 2 submitters: Likely pathogenic (1); Uncertain significance (1). Last evaluated 2025-06-02.

Conditions:
Joubert syndrome 37. Identifiers: MedGen C5543064, MONDO:0030933, OMIM 619185.

Allele frequency attached by ClinVar (database versions not stated): TOPMed below 0.00001; gnomAD 0.00002; gnomAD exomes 0.00001.
gnomAD v4.1: 6 of 1,595,406 alleles (0.00038%); highest among the groups gnomAD compares: East Asian, 0.0045%; no homozygotes.

Submissions (2):

Dasa
Classification: Uncertain significance. Last evaluated: 2025-06-02. Review status: criteria provided, single submitter. Criteria: DASA Assertion Criteria. Collection method: clinical testing. Allele origin: germline.
Comment: NM_001308120.2(TOGARAM1):c.2338+3A>G is a splice-region variant. This variant is rare in population databases. Computational prediction algorithms are consistent with a deleterious effect. The currently available literature and clinical evidence are not sufficient to establish a definitive association between this variant and the reported condition. Therefore, this variant is classified as a variant of uncertain significance.

Institute of Human Genetics, University of Goettingen
Classification: Likely pathogenic for Joubert syndrome 37. Last evaluated: 2022-01-21. Review status: criteria provided, single submitter. Criteria: ACMG Guidelines, 2015. Collection method: clinical testing. Allele origin: biparental. Inheritance: Autosomal recessive inheritance. Affected: yes. Observed: 1 homozygote.

NM_001308120.2(TOGARAM1):c.2338+3A>G

Gene: TOGARAM1 (TOG array regulator of axonemal microtubules 1; plus strand). Cytogenetic location: 14q21.2.
Variant type: single nucleotide variant.
Coding change: c.2338+3A>G on transcript NM_001308120.2 (MANE Select); 3 bases into the intron after coding-DNA position 2338, A replaced by G.
Molecular consequence: intron variant.
Genome position (GRCh38, 1-based): chr14:44,999,500, A>G. VCF-style: chr14-44999500-A-G. GRCh37 (hg19) VCF-style: chr14-45468703-A-G.
Other names: c.2338+3A>G (NM_015091.4).
Identifiers: ClinVar variation 1703763 (VCV001703763.4), dbSNP rs987763947, ClinGen allele CA259594012.